The following is an entry in ClinVar:

NM_007279.3(U2AF2):c.888G>A (p.Thr296=)

Gene: U2AF2 (U2 small nuclear RNA auxiliary factor 2; plus strand). Cytogenetic location: 19q13.42.
Variant type: single nucleotide variant.
Coding change: c.888G>A on transcript NM_007279.3 (MANE Select); coding-DNA position 888, G replaced by A.
Protein change: p.Thr296=; no amino-acid change (threonine 296 retained).
Molecular consequence: synonymous variant.
Genome position (GRCh38, 1-based): chr19:55,668,735, G>A. VCF-style: chr19-55668735-G-A. GRCh37 (hg19) VCF-style: chr19-56180101-G-A.
Other names: c.888G>A, p.Thr296= (NM_001012478.2).
Identifiers: ClinVar variation 4533669 (VCV004533669.6).
Genomic context (GRCh38, chr19:55,668,735, plus strand): 5'-AGAGCTGCTGACATCCTTTGGGCCCCTCAAGGCCTTCAACCTGGTCAAGGACAGTGCCAC[G>A]GGGCTCTCCAAGGGCTACGCCTTCTGTGAGTACGTGGACATCAACGTCACGGATCAGGTG-3'
Protein context (NP_009210.1, residues 286-306): KAFNLVKDSA[Thr296=]GLSKGYAFCE

ClinVar aggregate classification (germline): Likely benign (1 of 4 stars; one submission).

gnomAD v4.1: 624 of 1,613,592 alleles (0.039%); highest among the groups gnomAD compares: Non-Finnish European, 0.046%; no homozygotes.

Submission:

CeGaT Center for Human Genetics Tuebingen
Classification: Likely benign. Last evaluated: 2025-11-01. Review status: criteria provided, single submitter. Criteria: CeGaT Center For Human Genetics Tuebingen Variant Classification Criteria Version 2. Collection method: clinical testing. Allele origin: germline. Affected: yes. Observed: 1 variant allele.
Comment: U2AF2: BP4, BP7